The following is an entry in ClinVar:

NM_017763.6(RNF43):c.1038C>T (p.Pro346=)

Gene: RNF43 (ring finger protein 43; minus strand). Cytogenetic location: 17q22.
Variant type: single nucleotide variant.
Coding change: c.1038C>T on transcript NM_017763.6 (MANE Select); coding-DNA position 1038, C replaced by T.
Protein change: p.Pro346=; no amino-acid change (proline 346 retained).
Molecular consequence: synonymous variant.
Genome position (GRCh38, 1-based): chr17:58,358,738, G>A on the plus strand (C>T on the coding strand, the complement: RNF43 is on the minus strand). VCF-style: chr17-58358738-G-A. GRCh37 (hg19) VCF-style: chr17-56436099-G-A.
Other names: c.1038C>T, p.Pro346= (NM_001305544.3); c.657C>T, p.Pro219= (NM_001305545.2).
Identifiers: ClinVar variation 2909078 (VCV002909078.5), dbSNP rs1972764369, ClinGen allele CA501054057.

ClinVar aggregate classification (germline): Benign/Likely benign. Review status: criteria provided, multiple submitters, no conflicts (2 of 4 stars). 3 submissions from 3 submitters: Benign (1); Likely benign (2). Last evaluated 2026-07-01.

Conditions:
Sessile serrated polyposis cancer syndrome (SSPCS). Identifiers: Orphanet 157798, MedGen C4310714, MONDO:0014919, OMIM 617108.

Allele frequency attached by ClinVar (database versions not stated): gnomAD exomes 0.00001; TOPMed below 0.00001.
gnomAD v4.1: 13 of 1,560,688 alleles (0.00083%); highest among the groups gnomAD compares: African/African-American, 0.0014%; no homozygotes.

Submissions (3):

Myriad Genetics, Inc.
Classification: Benign for Sessile serrated polyposis cancer syndrome. Last evaluated: 2026-07-01. Review status: criteria provided, single submitter. Criteria: Myriad Autosomal Dominant, Autosomal Recessive and X-Linked Classification Criteria (2023). Collection method: clinical testing. Allele origin: unknown.
Comment: This variant is considered benign. This variant is a silent/synonymous amino acid change and it is not expected to impact splicing.

Ambry Genetics
Classification: Likely benign. Last evaluated: 2024-12-06. Review status: criteria provided, single submitter. Criteria: Ambry Variant Classification Scheme 2023. Collection method: clinical testing. Allele origin: germline.

Labcorp Genetics (formerly Invitae), Labcorp
Classification: Likely benign. Last evaluated: 2024-09-08. Review status: criteria provided, single submitter. Criteria: Invitae Variant Classification Sherloc (09022015). Collection method: clinical testing. Allele origin: germline.